The following is an entry in ClinVar:

ClinVar aggregate classification (germline): Uncertain significance. Review status: criteria provided, multiple submitters, no conflicts (2 of 4 stars). 2 submissions from 2 submitters: Uncertain significance (2). Last evaluated 2025-01-30.

Allele frequency attached by ClinVar (database versions not stated): gnomAD 0.00001; gnomAD exomes 0.00001; ExAC 0.00002; 1000 Genomes Project 30x 0.00016; 1000 Genomes Project 0.00020.
gnomAD v4.1: 15 of 1,613,900 alleles (0.00093%); highest among the groups gnomAD compares: South Asian, 0.016%; no homozygotes.

Submissions (2):

Labcorp Genetics (formerly Invitae), Labcorp
Classification: Uncertain significance. Last evaluated: 2025-01-30. Review status: criteria provided, single submitter. Criteria: Invitae Variant Classification Sherloc (09022015). Collection method: clinical testing. Allele origin: germline.
Comment: This sequence change replaces asparagine, which is neutral and polar, with aspartic acid, which is acidic and polar, at codon 760 of the PCDH15 protein (p.Asn760Asp). This variant is present in population databases (rs556510021, gnomAD 0.02%). This variant has not been reported in the literature in individuals affected with PCDH15-related conditions. ClinVar contains an entry for this variant (Variation ID: 2689668). Invitae Evidence Modeling of protein sequence and biophysical properties (such as structural, functional, and spatial information, amino acid conservation, physicochemical variation, residue mobility, and thermodynamic stability) indicates that this missense variant is not expected to disrupt PCDH15 protein function with a negative predictive value of 95%. In summary, the available evidence is currently insufficient to determine the role of this variant in disease. Therefore, it has been classified as a Variant of Uncertain Significance.

Revvity Omics, Revvity
Classification: Uncertain significance. Last evaluated: 2023-11-15. Review status: criteria provided, single submitter. Criteria: ACMG Guidelines, 2015. Collection method: clinical testing. Allele origin: germline.

NM_001384140.1(PCDH15):c.2278A>G (p.Asn760Asp)

Gene: PCDH15 (protocadherin related 15; minus strand). Cytogenetic location: 10q21.1.
Variant type: single nucleotide variant.
Coding change: c.2278A>G on transcript NM_001384140.1 (MANE Select); coding-DNA position 2278, A replaced by G.
Protein change: p.Asn760Asp; replaces asparagine 760 with aspartic acid.
Molecular consequence: missense variant.
Genome position (GRCh38, 1-based): chr10:54,023,140, T>C on the plus strand (A>G on the coding strand, the complement: PCDH15 is on the minus strand). VCF-style: chr10-54023140-T-C. GRCh37 (hg19) VCF-style: chr10-55782900-T-C.
Other names: c.2293A>G, p.Asn765Asp (NM_001142763.2, NM_001142771.2); c.2278A>G, p.Asn760Asp (NM_001142764.2, NM_001142766.2, NM_001142770.3 and 5 more transcripts); c.2065A>G, p.Asn689Asp (NM_001142765.2); c.2167A>G, p.Asn723Asp (NM_001142767.2); c.2212A>G, p.Asn738Asp (NM_001142768.2, NM_001142773.2, NM_001354404.2); c.2314A>G, p.Asn772Asp (NM_001142769.4); c.2299A>G, p.Asn767Asp (NM_001354411.2); short protein forms N689D, N723D, N738D, N760D, N765D, N767D, N772D.
Identifiers: ClinVar variation 2689668 (VCV002689668.3), dbSNP rs556510021, ClinGen allele CA5506060.